The following is an entry in ClinVar:

ClinVar aggregate classification (germline): Uncertain significance (1 of 4 stars; one submission).

Submission:

GeneDx
Classification: Uncertain significance. Last evaluated: 2021-01-12. Review status: criteria provided, single submitter. Criteria: GeneDx Variant Classification Process June 2021. Collection method: clinical testing. Allele origin: germline. Affected: yes.
Comment: Not observed in large population cohorts (Lek et al., 2016); In-frame deletion of 1 amino acids in a non-repeat region; In silico analysis supports a deleterious effect on protein structure/function; Has not been previously published as pathogenic or benign to our knowledge

NM_001256447.2(BCAP31):c.150CTT[1] (p.Phe52del)

Gene: BCAP31 (B cell receptor associated protein 31; minus strand). Cytogenetic location: Xq28.
Variant type: Microsatellite.
Coding change: c.150CTT[1] on transcript NM_001256447.2 (MANE Select); one copy of the 3-base unit CTT starting at c.150; the reference has two copies in a row; one copy, 3 bases deleted.
Protein change: p.Phe52del; deletes phenylalanine 52.
Molecular consequence: inframe deletion.
Genome position (GRCh38, 1-based): chrX:153,720,910-153,720,912, AAG deleted on the plus strand (CTT on the coding strand, the reverse complement: BCAP31 is on the minus strand); deleting any 3 consecutive bases within chrX:153,720,910-153,720,915 gives the same sequence; the position shown is the placement nearest the transcript's 3' end. VCF-style (leftmost placement, unchanged base first): chrX-153720909-AAAG-A. GRCh37 (hg19) VCF-style: chrX-152986364-AAAG-A.
Other names: c.153_155del (NM_001139441.1); c.150CTT[1], p.Phe52del (NM_001139441.1, NM_005745.8); c.351CTT[1], p.Phe119del (NM_001139457.2); short protein forms F119del, F52del.
Identifiers: ClinVar variation 1310586 (VCV001310586.2), dbSNP rs2148383831, ClinGen allele CA2580612508.